The following is an entry in ClinVar:

NM_020436.5(SALL4):c.635C>T (p.Pro212Leu)

Gene: SALL4 (spalt like transcription factor 4; minus strand). Cytogenetic location: 20q13.2.
Variant type: single nucleotide variant.
Coding change: c.635C>T on transcript NM_020436.5 (MANE Select); coding-DNA position 635, C replaced by T.
Protein change: p.Pro212Leu; replaces proline 212 with leucine.
Molecular consequence: missense variant.
Genome position (GRCh38, 1-based): chr20:51,791,848, G>A on the plus strand (C>T on the coding strand, the complement: SALL4 is on the minus strand). VCF-style: chr20-51791848-G-A. GRCh37 (hg19) VCF-style: chr20-50408387-G-A.
Other names: c.635C>T, p.Pro212Leu (NM_001318031.2); short protein forms P212L.
Identifiers: ClinVar variation 3242093 (VCV003242093.2), dbSNP rs758122948.

ClinVar aggregate classification (germline): Uncertain significance. Review status: criteria provided, multiple submitters, no conflicts (2 of 4 stars). 2 submissions from 2 submitters: Uncertain significance (2). Last evaluated 2024-03-26.

Conditions:
Inborn genetic diseases. Identifiers: MedGen C0950123, MeSH D030342.
Duane-radial ray syndrome (DRRS). Also called: Duane-Radial Ray Syndrome (DRRS) / Okihiro Syndrome; ACRORENOOCULAR SYNDROME; DR SYNDROME; DUANE ANOMALY WITH RADIAL RAY ABNORMALITIES AND DEAFNESS; Duane-Radial Ray Syndrome/Okihiro Syndrome; Okihiro Syndrome. Identifiers: Orphanet 93293, Orphanet 959, MedGen C1623209, MONDO:0011812, OMIM 607323. Disease mechanism: gain of function.

Allele frequency attached by ClinVar (database versions not stated): gnomAD 0.00001; gnomAD exomes 0.00001; ExAC 0.00003.
gnomAD v4.1: 21 of 1,614,016 alleles (0.0013%); highest among the groups gnomAD compares: Middle Eastern, 0.033%; no homozygotes.

Submissions (2):

Ambry Genetics
Classification: Uncertain significance for Inborn genetic diseases. Last evaluated: 2024-03-26. Review status: criteria provided, single submitter. Criteria: Ambry Variant Classification Scheme 2023. Collection method: clinical testing. Allele origin: germline.

Neuberg Centre For Genomic Medicine, NCGM
Classification: Uncertain significance for Duane-radial ray syndrome. Review status: criteria provided, single submitter. Criteria: ACMG Guidelines, 2015. Collection method: clinical testing. Allele origin: germline. Inheritance: Autosomal dominant inheritance. Affected: yes.
Comment: The observed missense c.635C>T(p.Pro212Leu) variant in SALL4 gene has not been reported previously as a pathogenic variant nor a benign variant, to our knowledge. The p.Pro212Leu variant has been reported with allele frequency of 0.002% in gnomAD Exomes. This variant has not been submitted to the ClinVar database. The amino acid change p.Pro212Leu in SALL4 is predicted as conserved by GERP++ and PhyloP across 100 vertebrates. The amino acid Pro at position 212 is changed to a Leu changing protein sequence and it might alter its composition and physico-chemical properties. For these reasons, this variant has been classified as a Variant of Uncertain Significance (VUS).